The following is an entry in ClinVar:

NM_000334.4(SCN4A):c.5462del (p.Pro1821fs)

Genes: GH-LCR (growth hormone locus control region; plus strand), SCN4A (sodium voltage-gated channel alpha subunit 4; minus strand). Cytogenetic location: 17q23.3.
Variant type: Deletion.
Coding change: c.5462del on transcript NM_000334.4 (MANE Select); coding-DNA position 5462, one base deleted (C; older notation c.5462delC).
Protein change: p.Pro1821fs; shifts the reading frame from proline 1821.
Molecular consequence: frameshift variant.
Genome position (GRCh38, 1-based): chr17:63,940,820, G deleted on the plus strand (C on the coding strand, the reverse complement: SCN4A is on the minus strand); the first of 4 consecutive G bases (chr17:63,940,820-63,940,823); deleting any one gives the same sequence. VCF-style (leftmost placement, unchanged base first): chr17-63940819-AG-A. GRCh37 (hg19) VCF-style: chr17-62018179-AG-A.
Other names: short protein forms P1821fs.
Identifiers: ClinVar variation 4883938 (VCV004883938.2).

ClinVar aggregate classification (germline): Uncertain significance (1 of 4 stars; one submission).

Submission:

Dasa
Classification: Uncertain significance. Last evaluated: 2026-03-11. Review status: criteria provided, single submitter. Criteria: DASA Assertion Criteria. Collection method: clinical testing. Allele origin: germline.
Comment: NM_000334.4(SCN4A):c.5462del (p.Pro1821Leufs*42) is a frameshift variant in SCN4A predicted to alter the reading frame and introduce a premature termination codon. This variant is rare in population databases. The currently available literature and clinical evidence are not sufficient to establish a definitive association between this variant and the reported condition. Therefore, this variant is classified as a variant of uncertain significance.